The following is an entry in ClinVar:

ClinVar aggregate classification (germline): Conflicting classifications of pathogenicity. Review status: criteria provided, conflicting classifications (1 of 4 stars). 3 submissions from 3 submitters: Uncertain significance (2); Likely benign (1). Last evaluated 2024-12-26.

Conditions:
Inborn genetic diseases. Identifiers: MedGen C0950123, MeSH D030342.

Allele frequency attached by ClinVar (database versions not stated): gnomAD 0.00003; TOPMed 0.00003; gnomAD exomes 0.00004; ExAC 0.00010.
gnomAD v4.1: 68 of 1,574,098 alleles (0.0043%); highest among the groups gnomAD compares: Admixed American, 0.0055%; no homozygotes.

Submissions (3):

Women's Health and Genetics/Laboratory Corporation of America, LabCorp
Classification: Uncertain significance. Last evaluated: 2024-12-26. Review status: criteria provided, single submitter. Criteria: LabCorp Variant Classification Summary - May 2015. Collection method: clinical testing. Allele origin: germline.
Comment: Variant summary: SRCAP c.8300G>A (p.Arg2767Gln) results in a conservative amino acid change in the encoded protein sequence. Three of five in-silico tools predict a benign effect of the variant on protein function. The variant allele was found at a frequency of 6e-05 in 215562 control chromosomes (gnomAD). This frequency is not significantly higher than estimated for a pathogenic variant in SRCAP causing Floating-Harbor Syndrome, allowing no conclusion about variant significance. To our knowledge, no occurrence of c.8300G>A in individuals affected with Floating-Harbor Syndrome and no experimental evidence demonstrating its impact on protein function have been reported. ClinVar contains an entry for this variant (Variation ID: 2902168). Based on the evidence outlined above, the variant was classified as uncertain significance.

Labcorp Genetics (formerly Invitae), Labcorp
Classification: Uncertain significance. Last evaluated: 2024-11-13. Review status: criteria provided, single submitter. Criteria: Invitae Variant Classification Sherloc (09022015). Collection method: clinical testing. Allele origin: germline.
Comment: This sequence change replaces arginine, which is basic and polar, with glutamine, which is neutral and polar, at codon 2767 of the SRCAP protein (p.Arg2767Gln). This variant is present in population databases (rs781443255, gnomAD 0.01%). This variant has not been reported in the literature in individuals affected with SRCAP-related conditions. ClinVar contains an entry for this variant (Variation ID: 2902168). Invitae Evidence Modeling of protein sequence and biophysical properties (such as structural, functional, and spatial information, amino acid conservation, physicochemical variation, residue mobility, and thermodynamic stability) indicates that this missense variant is not expected to disrupt SRCAP protein function with a negative predictive value of 80%. In summary, the available evidence is currently insufficient to determine the role of this variant in disease. Therefore, it has been classified as a Variant of Uncertain Significance.

Ambry Genetics
Classification: Likely benign for Inborn genetic diseases. Last evaluated: 2024-05-12. Review status: criteria provided, single submitter. Criteria: Ambry Variant Classification Scheme 2023. Collection method: clinical testing. Allele origin: germline.

NM_006662.3(SRCAP):c.8300G>A (p.Arg2767Gln)

Gene: SRCAP (Snf2 related CREBBP activator protein; plus strand). Cytogenetic location: 16p11.2.
Variant type: single nucleotide variant.
Coding change: c.8300G>A on transcript NM_006662.3 (MANE Select); coding-DNA position 8300, G replaced by A.
Protein change: p.Arg2767Gln; replaces arginine 2767 with glutamine.
Molecular consequence: missense variant.
Genome position (GRCh38, 1-based): chr16:30,738,340, G>A. VCF-style: chr16-30738340-G-A. GRCh37 (hg19) VCF-style: chr16-30749661-G-A.
Other names: c.8300G>A (NM_006662.2); short protein forms R2767Q.
Identifiers: ClinVar variation 2902168 (VCV002902168.5), dbSNP rs781443255, ClinGen allele CA8012655.